The following is an entry in ClinVar:

ClinVar aggregate classification (germline): Uncertain significance (1 of 4 stars; one submission).

Conditions:
ZNF292-related disorder. Also called: ZNF292-related condition.

Submission:

PreventionGenetics, part of Exact Sciences
Classification: Uncertain significance for ZNF292-related condition. Last evaluated: 2022-12-21. Review status: criteria provided, single submitter. Criteria: ACMG Guidelines, 2015. Collection method: clinical testing. Allele origin: germline.
Comment: The ZNF292 c.3203T>C variant is predicted to result in the amino acid substitution p.Leu1068Ser. To our knowledge, this variant has not been reported in the literature or in a large population database, indicating this variant is rare. At this time, the clinical significance of this variant is uncertain due to the absence of conclusive functional and genetic evidence.

NM_015021.3(ZNF292):c.3203T>C (p.Leu1068Ser)

Gene: ZNF292 (zinc finger protein 292; plus strand). Cytogenetic location: 6q14.3.
Variant type: single nucleotide variant.
Coding change: c.3203T>C on transcript NM_015021.3 (MANE Select); coding-DNA position 3203, T replaced by C.
Protein change: p.Leu1068Ser; replaces leucine 1068 with serine.
Molecular consequence: missense variant.
Genome position (GRCh38, 1-based): chr6:87,256,832, T>C. VCF-style: chr6-87256832-T-C. GRCh37 (hg19) VCF-style: chr6-87966550-T-C.
Other names: c.2783T>C, p.Leu928Ser (NM_001351444.2); short protein forms L1068S, L928S.
Identifiers: ClinVar variation 2629865 (VCV002629865.1), dbSNP rs2482310484, ClinGen allele CA364921148.
Genomic context (GRCh38, chr6:87,256,832, plus strand): 5'-TTGAATGTGGAGATAATGTTAAAACATCATCCAATCTTTATAATTTACCTCTTAAGACAT[T>C]AGAAAGTATTGCATTTGTTCCACCGCAGTCCGACCTAAGTAATTCATTAGGAACTCCATC-3'
Protein context (NP_055836.1, residues 1058-1078): SNLYNLPLKT[Leu1068Ser]ESIAFVPPQS